The following is an entry in ClinVar:

NM_000455.5(STK11):c.693C>T (p.Phe231=)

Gene: STK11 (serine/threonine kinase 11; plus strand). Cytogenetic location: 19p13.3.
Variant type: single nucleotide variant.
Coding change: c.693C>T on transcript NM_000455.5 (MANE Select); coding-DNA position 693, C replaced by T.
Protein change: p.Phe231=; no amino-acid change (phenylalanine 231 retained).
Molecular consequence: synonymous variant.
Genome position (GRCh38, 1-based): chr19:1,220,676, C>T. VCF-style: chr19-1220676-C-T. GRCh37 (hg19) VCF-style: chr19-1220675-C-T.
Identifiers: ClinVar variation 619727 (VCV000619727.21), dbSNP rs1568708275, ClinGen allele CA504892276.
Genomic context (GRCh38, chr19:1,220,676, plus strand): 5'-GACCAGCCAGGGCTCCCCGGCTTTCCAGCCGCCCGAGATTGCCAACGGCCTGGACACCTT[C>T]TCCGGCTTCAAGGTGGACATCTGGTCGGCTGGGGTCACCCTGTAAGTGCCCCGCCCCCCC-3'
Protein context (NP_000446.1, residues 221-241): PPEIANGLDT[Phe231=]SGFKVDIWSA

ClinVar aggregate classification (germline): Conflicting classifications of pathogenicity. Review status: criteria provided, conflicting classifications (1 of 4 stars). 6 submissions from 6 submitters: Uncertain significance (2); Benign (1); Likely benign (3). Last evaluated 2025-12-09.

Conditions:
Hereditary cancer-predisposing syndrome. Also called: Tumor predisposition; Neoplastic Syndromes, Hereditary; Hereditary Cancer Syndrome; Hereditary neoplastic syndrome. Identifiers: Orphanet 140162, MedGen C0027672, MeSH D009386, MONDO:0015356.
Peutz-Jeghers syndrome (PJS). Also called: POLYPOSIS, HAMARTOMATOUS INTESTINAL; POLYPS-AND-SPOTS SYNDROME; Peutz-Jeghers polyposis; Periorificial lentiginosis syndrome. Identifiers: Orphanet 2869, MedGen C0031269, MeSH D010580, MONDO:0008280, OMIM 175200.

Submissions (6):

Labcorp Genetics (formerly Invitae), Labcorp
Classification: Likely benign for Peutz-Jeghers syndrome. Last evaluated: 2025-12-09. Review status: criteria provided, single submitter. Criteria: Invitae Variant Classification Sherloc (09022015). Collection method: clinical testing. Allele origin: germline.

Myriad Genetics, Inc.
Classification: Benign for Peutz-Jeghers syndrome. Last evaluated: 2025-03-27. Review status: criteria provided, single submitter. Criteria: Myriad Autosomal Dominant, Autosomal Recessive and X-Linked Classification Criteria (2023). Collection method: clinical testing. Allele origin: unknown.
Comment: This variant is considered benign. This variant is a silent/synonymous amino acid change and it is not expected to impact splicing.

Ambry Genetics
Classification: Likely benign for Hereditary cancer-predisposing syndrome. Last evaluated: 2021-11-05. Review status: criteria provided, single submitter. Criteria: Ambry Variant Classification Scheme 2023. Collection method: clinical testing. Allele origin: germline.

Genome-Nilou Lab
Classification: Uncertain significance for Peutz-Jeghers syndrome. Last evaluated: 2021-07-15. Review status: criteria provided, single submitter. Criteria: ACMG Guidelines, 2015. Collection method: clinical testing. Allele origin: germline. Affected: no.

Color Diagnostics, LLC DBA Color Health
Classification: Likely benign for Hereditary cancer-predisposing syndrome. Last evaluated: 2019-09-09. Review status: criteria provided, single submitter. Criteria: ACMG Guidelines, 2015. Collection method: clinical testing. Allele origin: germline.

Quest Diagnostics Nichols Institute San Juan Capistrano
Classification: Uncertain significance. Last evaluated: 2017-12-05. Review status: criteria provided, single submitter. Criteria: Quest Diagnostics criteria. Collection method: clinical testing. Allele origin: germline.